The following is an entry in ClinVar:

ClinVar aggregate classification (germline): Pathogenic/Likely pathogenic. Review status: criteria provided, multiple submitters, no conflicts (2 of 4 stars). 14 submissions from 14 submitters: Pathogenic (7); Likely pathogenic (7). Last evaluated 2026-01-05.

Conditions:
Familial hypoalphalipoproteinemia. Also called: Hypoalphalipoproteinemia, primary; FAMILIAL HDL DEFICIENCY. Identifiers: MedGen C1704429.
Decreased circulating HDL-C concentration. Also called: Hypoalphalipoproteinemia; Decreased circulating high-density lipoprotein levels; Decreased HDL cholesterol concentration. Identifiers: Orphanet 31153, MedGen C0151691, MONDO:0017773, HP:0003233.
ABCA1-related disorder. Also called: ABCA1-related condition; ABCA1-related disorders. Identifiers: MedGen CN239173.
Hypoalphalipoproteinemia, primary, 1. Identifiers: Orphanet 425, MedGen C5231558, MONDO:0011393, OMIM 604091.
Cardiovascular phenotype. Identifiers: MedGen CN230736.
Tangier disease (TGD). Also called: Cholesterol thesaurismosis; HIGH DENSITY LIPOPROTEIN DEFICIENCY, TANGIER TYPE; HIGH DENSITY LIPOPROTEIN DEFICIENCY, TYPE 1. Identifiers: Orphanet 31150, MedGen C0039292, MONDO:0008783, OMIM 205400.

Allele frequency attached by ClinVar (database versions not stated): ExAC 0.00027; gnomAD exomes 0.00029; TOPMed 0.00036; gnomAD 0.00038; ESP Exome Variant Server 0.00062.

Submissions 1 to 7 of 14:

Labcorp Genetics (formerly Invitae), Labcorp
Classification: Pathogenic. Last evaluated: 2026-01-05. Review status: criteria provided, single submitter. Criteria: Invitae Variant Classification Sherloc (09022015). Collection method: clinical testing. Allele origin: germline.
Comment: This sequence change replaces asparagine, which is neutral and polar, with histidine, which is basic and polar, at codon 1800 of the ABCA1 protein (p.Asn1800His). This variant is present in population databases (rs146292819, gnomAD 0.06%). This missense change has been observed in individuals with Tangier disease or familial HDL deficiency (PMID: 10706591, 16343503, 20880529, 21575609, 22959828). This variant is also known as nt5338A>C, Asn1740His. ClinVar contains an entry for this variant (Variation ID: 364389). Invitae Evidence Modeling of protein sequence and biophysical properties (such as structural, functional, and spatial information, amino acid conservation, physicochemical variation, residue mobility, and thermodynamic stability) indicates that this missense variant is expected to disrupt ABCA1 protein function with a positive predictive value of 95%. Experimental studies have shown that this missense change affects ABCA1 function (PMID: 16873719). For these reasons, this variant has been classified as Pathogenic.

Mayo Clinic Laboratories, Mayo Clinic
Classification: Pathogenic. Last evaluated: 2025-12-05. Review status: criteria provided, single submitter. Criteria: ACMG Guidelines, 2015. Collection method: clinical testing. Allele origin: germline. Observed: 1 variant allele.
Comment: PP1, PP3_moderate, PM2_supporting, PM3, PS3

Variantyx, Inc.
Classification: Pathogenic for Tangier disease. Last evaluated: 2025-07-28. Review status: criteria provided, single submitter. Criteria: Variantyx Assertion Criteria 2022. Collection method: clinical testing. Allele origin: germline. Inheritance: Autosomal recessive inheritance. Affected: no.
Comment: This is a nonsynonymous variant in the ABCA1 gene (OMIM: 600046). Pathogenic variants in this gene have been associated with autosomal recessive Tangier disease. This variant has been identified in the homozygous or compound heterozygous state in at least 3 individuals reported in the published literature (PMID: 10706591, 16343503, 20880529) (PM3) and has been observed to segregate with disease in at least 2 individuals from 1 family (PMID: 16343503) (PP1). Functional studies have shown that this variant alters ABCA1 protein function (PMID: 16873719, 18523221, 17303779) (PS3), and multiple computational algorithms predict a deleterious effect for this variant (REVEL score: 0.883) (PP3). This variant has a 0.0437% maximum allele frequency in non-founder control populations (PM2). Based on the current evidence, this variant is classified as pathogenic for autosomal recessive Tangier disease.

Ambry Genetics
Classification: Likely pathogenic for Cardiovascular phenotype. Last evaluated: 2025-07-23. Review status: criteria provided, single submitter. Criteria: Ambry Variant Classification Scheme 2023. Collection method: clinical testing. Allele origin: germline.
Comment: The p.N1800H variant (also known as c.5398A>C), located in coding exon 39 of the ABCA1 gene, results from an A to C substitution at nucleotide position 5398. The asparagine at codon 1800 is replaced by histidine, an amino acid with similar properties. This variant has been detected in the homozygous state in an individual reported to have Tangier disease, and has been reported to segregate with low HDL cholesterol in related heterozygotes (Serfaty-Lacrosniere C et al. Atherosclerosis, 1994 May;107:85-98; Brousseau ME et al. J. Lipid Res., 2000 Mar;41:433-41 (reported as p.Asp1740His); Singaraja RR et al. Circ. Res., 2006 Aug;99:389-97; Pisciotta L et al. Atherosclerosis. 2004 Feb;172(2):309-20). This variant has been reported to co-occur with other ABCA1 variants in individuals with extremely low HDL levels, however phase was not confirmed (Candini C et al. Atherosclerosis, 2010 Dec;213:492-8; Sorrenson B et al. Biochem. Biophys. Res. Commun., 2011 Jun;409:400-5). This variant has also been reported in association with significant HDL reduction in heterozygous carriers in a population-based study, and in additional cohorts with low HDL (Alrasadi K et al. Atherosclerosis. 2006 Oct;188(2):281-91; Frikke-Schmidt R et al. JAMA, 2008 Jun;299:2524-32; Bochem AE et al. Eur. Heart J., 2013 Jan;34:286-91; Morrison AC et al. Nat. Genet., 2013 Aug;45:899-901; Dron JS et al. J. Lipid Res., 2017 11;58:2162-2170). In addition, several in vitro studies of patient and transfected cells exhibiting this variant demonstrated reduced cholesterol efflux (Singaraja RR et al. Circ. Res., 2006 Aug;99:389-97; Kiss RS et al. Arterioscler. Thromb. Vasc. Biol., 2007 May;27:1139-45; Frikke-Schmidt R et al. JAMA, 2008 Jun;299:2524-32; Sorrenson B et al. Biochem. Biophys. Res. Commun., 2011 Jun;409:400-5; Fasano T et al. Mol. Genet. Metab., 2012 Nov;107:534-41). This amino acid position is highly conserved in available vertebrate species. In addition, the in silico prediction for this alteration is inconclusive. Based on the majority of available evidence to date, this variant is likely to be pathogenic.

GeneDx
Classification: Pathogenic. Last evaluated: 2024-07-22. Review status: criteria provided, single submitter. Criteria: GeneDx Variant Classification Process June 2021. Collection method: clinical testing. Allele origin: germline. Affected: yes.
Comment: Published functional studies demonstrate impaired function of ABCA1, including significantly reducing ApoA-I binding and efflux of choline and cholesterol (PMID: 16873719, 17303779); In silico analysis supports that this missense variant has a deleterious effect on protein structure/function; Also known as p.(N1740H); This variant is associated with the following publications: (PMID: 35460704, 36411388, 34363016, 34662886, 16873719, 31980526, 28634189, 29083407, 28870971, 26073400, 26079414, 18523221, 21575609, 31589614, 32041611, 15297675, 7945562, 20533173, 20800056, 21130455, 21420943, 10706591, 15019541, 20880529, 23770607, 17303779, 22959828)

Women's Health and Genetics/Laboratory Corporation of America, LabCorp
Classification: Likely pathogenic for Familial hypoalphalipoproteinemia. Last evaluated: 2024-05-02. Review status: criteria provided, single submitter. Criteria: LabCorp Variant Classification Summary - May 2015. Collection method: clinical testing. Allele origin: germline.
Comment: Variant summary: ABCA1 c.5398A>C (p.Asn1800His) results in a conservative amino acid change located in the ABC-2 type transporter, transmembrane domain (IPR013525) of the encoded protein sequence. Four of five in-silico tools predict a damaging effect of the variant on protein function. The variant allele was found at a frequency of 0.00029 in 240978 control chromosomes, predominantly at a frequency of 0.00057 within the Non-Finnish European subpopulation in the gnomAD database. The observed variant frequency within Non-Finnish European control individuals in the gnomAD database is approximately 57-fold of the estimated maximal expected allele frequency for a pathogenic variant in ABCA1 causing Familial Hypoalphalipoproteinemia phenotype (1e-05). However, c.5398A>C has been reported in the literature in multiple individuals affected with Familial Hypoalphalipoproteinemia, including one homozygote (Brousseau_2000), compound heterozygotes (e.g. Pisciotta_2004, Alrasadi_2006, Candini_2010) and several heterozygotes (e.g. Alrasadi_2006, Berge_2010, Fasano_2012). These data indicate that the variant is very likely to be associated with disease. Publications report experimental evidence evaluating an impact on protein function. The variant protein resulted in a loss of cholesterol efflux activity and impaired localization at the plasma membrane (Singaraja_2006, Kiss_2007). The following publications have been ascertained in the context of this evaluation (PMID: 20880529, 16343503, 20800056, 10706591, 22959828, 15019541, 16873719, 17303779). ClinVar contains an entry for this variant (Variation ID: 364389). Based on the evidence outlined above, the variant was classified as likely pathogenic.

PreventionGenetics, part of Exact Sciences
Classification: Pathogenic for ABCA1-related condition. Last evaluated: 2023-09-02. Review status: criteria provided, single submitter. Criteria: ACMG Guidelines, 2015. Collection method: clinical testing. Allele origin: germline.
Comment: The ABCA1 c.5398A>C variant is predicted to result in the amino acid substitution p.Asn1800His. This variant has been reported in multiple patients with familial HDL deficiency or patients with Tangier disease (see for example, Table 1, Berge and Leren. 2010. PubMed ID: 20800056; Table 1, Fasano et al. 2012. PubMed ID: 22959828; Table 1, Candini et al. 2010. PubMed ID: 20880529). This variant has also been shown to segregate with HDL deficiency in multiple families (Figure 2B, Alrasadi et al. 2005. PubMed ID: 16343503; Figure 1, Pisciotta et al. 2004. PubMed ID: 15019541). An in vitro experimental study suggests this variant affects protein localization leading to intracellular accumulation (Figure 2, Singaraja et al. 2006. PubMed ID: 16873719). This variant is reported in 0.064% of alleles in individuals of European (Non-Finnish) descent in gnomAD. This variant is interpreted as pathogenic.

NM_005502.4(ABCA1):c.5398A>C (p.Asn1800His)

Gene: ABCA1 (ATP binding cassette subfamily A member 1; minus strand). Cytogenetic location: 9q31.1.
Variant type: single nucleotide variant.
Coding change: c.5398A>C on transcript NM_005502.4 (MANE Select); coding-DNA position 5398, A replaced by C.
Protein change: p.Asn1800His; replaces asparagine 1800 with histidine.
Molecular consequence: missense variant.
Genome position (GRCh38, 1-based): chr9:104,794,495, T>G on the plus strand (A>C on the coding strand, the complement: ABCA1 is on the minus strand). VCF-style: chr9-104794495-T-G. GRCh37 (hg19) VCF-style: chr9-107556776-T-G.
Other names: short protein forms N1800H.
Identifiers: ClinVar variation 364389 (VCV000364389.44), dbSNP rs146292819, ClinGen allele CA5167833.
Genomic context (GRCh38, chr9:104,794,495, plus strand): 5'-TGAGCCCTCGTCCCAGGCAAAAATGTGGGAAGATCAAGAACACGGACTTCAGGATATCAT[T>G]GATATTATTCAGCTTCTAAAAAAAAAAAAAAAAAATGGGAGGGAAGGGAGGGTGAGGGAG-3'
Protein context (NP_005493.2, residues 1790-1810): LFTDNKLNNI[Asn1800His]DILKSVFLIF